The following is an entry in ClinVar:

ClinVar aggregate classification (germline): Uncertain significance. Review status: criteria provided, multiple submitters, no conflicts (2 of 4 stars). 5 submissions from 5 submitters: Uncertain significance (4). 1 of the submissions does not count toward it. Last evaluated 2026-04-02.

Conditions:
Renal carnitine transport defect (CDSP). Also called: Systemic primary carnitine deficiency disease; Systemic primary carnitine deficiency; CARNITINE DEFICIENCY, SYSTEMIC, DUE TO DEFECT IN RENAL REABSORPTION OF CARNITINE; CARNITINE TRANSPORTER, PLASMA-MEMBRANE, DEFICIENCY OF; CARNITINE UPTAKE DEFECT; Carnitine transporter deficiency. Identifiers: Orphanet 158, MedGen C0342788, MONDO:0008919, OMIM 212140.
Inborn genetic diseases. Identifiers: MedGen C0950123, MeSH D030342.
Decreased circulating carnitine concentration. Also called: Decreased plasma carnitine. Identifiers: MedGen C5848230, HP:0003234.

Allele frequency attached by ClinVar (database versions not stated): gnomAD exomes 0.00001; TOPMed 0.00011; gnomAD 0.00007; ExAC 0.00001.
gnomAD v4.1: 29 of 1,613,622 alleles (0.0018%); highest among the groups gnomAD compares: Admixed American, 0.038%; no homozygotes.

Submissions (5):

GeneDx
Classification: Uncertain significance. Last evaluated: 2026-04-02. Review status: criteria provided, single submitter. Criteria: GeneDx Variant Classification Process June 2021. Collection method: clinical testing. Allele origin: germline.
Comment: Not observed at significant frequency in large population cohorts (gnomAD); In silico analysis supports that this missense variant has a deleterious effect on protein structure/function; Identified in a patient with cardiomyopathy; a second variant in SLC22A5 was not reported (Balakrishnan et al. 2024); This variant is associated with the following publications: (PMID: BalakrishnanID2024[Article])

Ambry Genetics
Classification: Uncertain significance for Inborn genetic diseases. Last evaluated: 2024-03-15. Review status: criteria provided, single submitter. Criteria: Ambry Variant Classification Scheme 2023. Collection method: clinical testing. Allele origin: germline.

Labcorp Genetics (formerly Invitae), Labcorp
Classification: Uncertain significance for Renal carnitine transport defect. Last evaluated: 2022-10-25. Review status: criteria provided, single submitter. Criteria: Invitae Variant Classification Sherloc (09022015). Collection method: clinical testing. Allele origin: germline.
Comment: This sequence change replaces valine, which is neutral and non-polar, with alanine, which is neutral and non-polar, at codon 458 of the SLC22A5 protein (p.Val458Ala). This variant is present in population databases (rs753268767, gnomAD 0.009%). This variant has not been reported in the literature in individuals affected with SLC22A5-related conditions. ClinVar contains an entry for this variant (Variation ID: 971368). Advanced modeling of protein sequence and biophysical properties (such as structural, functional, and spatial information, amino acid conservation, physicochemical variation, residue mobility, and thermodynamic stability) performed at Invitae indicates that this missense variant is expected to disrupt SLC22A5 protein function. In summary, the available evidence is currently insufficient to determine the role of this variant in disease. Therefore, it has been classified as a Variant of Uncertain Significance.

Baylor Genetics
Classification: Uncertain significance for Renal carnitine transport defect. Last evaluated: 2022-03-23. Review status: criteria provided, single submitter. Criteria: ACMG Guidelines, 2015. Collection method: clinical testing. Allele origin: unknown.

Natera, Inc.
Classification: Uncertain significance for Carnitine deficiency. Last evaluated: 2020-05-01. Review status: no assertion criteria provided. Collection method: clinical testing. Allele origin: germline. Not counted in ClinVar's aggregate classification.

NM_003060.4(SLC22A5):c.1373T>C (p.Val458Ala)

Gene: SLC22A5 (solute carrier family 22 member 5; plus strand). Cytogenetic location: 5q31.1.
Variant type: single nucleotide variant.
Coding change: c.1373T>C on transcript NM_003060.4 (MANE Select); coding-DNA position 1373, T replaced by C.
Protein change: p.Val458Ala; replaces valine 458 with alanine.
Molecular consequence: missense variant.
Genome position (GRCh38, 1-based): chr5:132,392,538, T>C. VCF-style: chr5-132392538-T-C. GRCh37 (hg19) VCF-style: chr5-131728230-T-C.
Other names: c.1445T>C, p.Val482Ala (NM_001308122.2); short protein forms V458A, V482A.
Identifiers: ClinVar variation 971368 (VCV000971368.12), dbSNP rs753268767, ClinGen allele CA3404143.